The following is an entry in ClinVar:

NM_138694.4(PKHD1):c.1285G>A (p.Glu429Lys)

Gene: PKHD1 (PKHD1 ciliary IPT domain containing fibrocystin/polyductin; minus strand). Cytogenetic location: 6p12.2.
Variant type: single nucleotide variant.
Coding change: c.1285G>A on transcript NM_138694.4 (MANE Select); coding-DNA position 1285, G replaced by A.
Protein change: p.Glu429Lys; replaces glutamic acid 429 with lysine.
Molecular consequence: missense variant.
Genome position (GRCh38, 1-based): chr6:52,058,550, C>T on the plus strand (G>A on the coding strand, the complement: PKHD1 is on the minus strand). VCF-style: chr6-52058550-C-T. GRCh37 (hg19) VCF-style: chr6-51923348-C-T.
Other names: c.1285G>A, p.Glu429Lys (NM_170724.3); short protein forms E429K.
Identifiers: ClinVar variation 3348809 (VCV003348809.2).

ClinVar aggregate classification (germline): Uncertain significance. Review status: criteria provided, single submitter (1 of 4 stars). 2 submissions from 2 submitters: Uncertain significance (1). 1 of the submissions does not count toward it. Last evaluated 2023-12-27.

Conditions:
PKHD1-related disorder. Also called: PKHD1-related condition.
Polycystic kidney disease 4 (PKD4). Also called: POLYCYSTIC KIDNEY AND HEPATIC DISEASE 1; POLYCYSTIC KIDNEY DISEASE, INFANTILE, TYPE I; Autosomal Recessive Polycystic Kidney Disease – PKHD1; POLYCYSTIC KIDNEY DISEASE 4 WITH OR WITHOUT POLYCYSTIC LIVER DISEASE; PKD3. Identifiers: MedGen C4540575, MONDO:0033004, OMIM 263200.

gnomAD v4.1: 1 of 1,614,182 alleles (0.000062%); highest among the groups gnomAD compares: African/African-American, 0.0013%; no homozygotes.

Submissions (2):

Fulgent Genetics
Classification: Uncertain significance for Polycystic kidney disease 4. Last evaluated: 2023-12-27. Review status: criteria provided, single submitter. Criteria: ACMG Guidelines, 2015. Collection method: clinical testing. Allele origin: germline.

PreventionGenetics, part of Exact Sciences
Classification: Uncertain significance for PKHD1-related condition. Last evaluated: 2024-07-26. Review status: no assertion criteria provided. Collection method: clinical testing. Allele origin: germline. Not counted in ClinVar's aggregate classification.
Comment: The PKHD1 c.1285G>A variant is predicted to result in the amino acid substitution p.Glu429Lys. To our knowledge, this variant has not been reported in the literature or in a large population database, indicating this variant is rare. At this time, the clinical significance of this variant is uncertain due to the absence of conclusive functional and genetic evidence.